The following is an entry in ClinVar:

ClinVar aggregate classification (germline): Uncertain significance (1 of 4 stars; one submission).

Conditions:
Supravalvar aortic stenosis (SVAS). Also called: Supravalvar aortic stenosis, Eisenberg type. Identifiers: Orphanet 3193, MedGen C0003499, MONDO:0008504, OMIM 185500, HP:0004381.

Allele frequency attached by ClinVar (database versions not stated): gnomAD below 0.00001 and 0.00001.
gnomAD v4.1: 13 of 1,613,920 alleles (0.00081%); highest among the groups gnomAD compares: South Asian, 0.0088%; no homozygotes.

Submission:

Labcorp Genetics (formerly Invitae), Labcorp
Classification: Uncertain significance for Supravalvar aortic stenosis. Last evaluated: 2016-08-03. Review status: criteria provided, single submitter. Criteria: Invitae Variant Classification Sherloc (09022015). Collection method: clinical testing. Allele origin: germline.
Comment: This variant affects a nucleotide within the consensus splice site of intron 30. The majority of introns (70-73%) have an adenine at this position (PMID: 9536098). In summary, this is a rare intronic change with uncertain impact on splicing. It has been classified as a Variant of Uncertain Significance. Algorithms developed to predict the effect of sequence changes on mRNA splicing suggest that this variant may alter RNA splicing, but this prediction has not been confirmed by published transcriptional studies. This variant is not present in population databases (ExAC no frequency) and has not been reported in the literature in individuals with a ELN-related disease.

Literature cited by the submitters: PubMed 9536098.

NM_000501.4(ELN):c.1993+4A>G

Gene: ELN (elastin; plus strand). Cytogenetic location: 7q11.23.
Variant type: single nucleotide variant.
Coding change: c.1993+4A>G on transcript NM_000501.4 (MANE Select); 4 bases into the intron after coding-DNA position 1993, A replaced by G.
Molecular consequence: intron variant.
Genome position (GRCh38, 1-based): chr7:74,063,699, A>G. VCF-style: chr7-74063699-A-G. GRCh37 (hg19) VCF-style: chr7-73478029-A-G.
Other names: c.2008+4A>G (NM_001081754.3); c.1951+4A>G (NM_001081753.3); c.2179+4A>G (NM_001278939.2); c.2011+4A>G (NM_001278915.2); c.1993+4A>G (NM_001278912.2); c.1936+4A>G (NM_001081755.3); c.1849+4A>G (NM_001278916.2); c.1750+4A>G (NM_001278913.2); and 4 more.
Identifiers: ClinVar variation 411838 (VCV000411838.6), dbSNP rs781872334, ClinGen allele CA16612410.